The following is an entry in ClinVar:

NM_001458.5(FLNC):c.2311G>T (p.Gly771Cys)

Gene: FLNC (filamin C; plus strand). Cytogenetic location: 7q32.1.
Variant type: single nucleotide variant.
Coding change: c.2311G>T on transcript NM_001458.5 (MANE Select); coding-DNA position 2311, G replaced by T.
Protein change: p.Gly771Cys; replaces glycine 771 with cysteine.
Molecular consequence: missense variant.
Genome position (GRCh38, 1-based): chr7:128,842,620, G>T. VCF-style: chr7-128842620-G-T. GRCh37 (hg19) VCF-style: chr7-128482674-G-T.
Other names: c.2311G>T, p.Gly771Cys (NM_001127487.2); short protein forms G771C.
Identifiers: ClinVar variation 4812409 (VCV004812409.1).

ClinVar aggregate classification (germline): Uncertain significance (1 of 4 stars; one submission).

Conditions:
Hypertrophic cardiomyopathy 26. Also called: Cardiomyopathy, familial hypertrophic, 26. Identifiers: Orphanet 75249, MedGen C4310749, MONDO:0014883, OMIM 617047.
Myofibrillar myopathy 5. Also called: Filaminopathy (type); FILAMINOPATHY, AUTOSOMAL DOMINANT. Identifiers: Orphanet 171445, MedGen C1836050, MONDO:0012289, OMIM 609524.
Distal myopathy with posterior leg and anterior hand involvement. Also called: WILLIAMS DISTAL MYOPATHY. Identifiers: Orphanet 63273, MedGen C3279722, MONDO:0013550, OMIM 614065.

Submission:

Labcorp Genetics (formerly Invitae), Labcorp
Classification: Uncertain significance for Distal myopathy with posterior leg and anterior hand involvement; Myofibrillar myopathy 5; Hypertrophic cardiomyopathy 26. Last evaluated: 2025-08-09. Review status: criteria provided, single submitter. Criteria: Invitae Variant Classification Sherloc (09022015). Collection method: clinical testing. Allele origin: germline.
Comment: This sequence change replaces glycine, which is neutral and non-polar, with cysteine, which is neutral and slightly polar, at codon 771 of the FLNC protein (p.Gly771Cys). This variant is not present in population databases (gnomAD no frequency). This variant has not been reported in the literature in individuals affected with FLNC-related conditions. Invitae Evidence Modeling of protein sequence and biophysical properties (such as structural, functional, and spatial information, amino acid conservation, physicochemical variation, residue mobility, and thermodynamic stability) has been performed for this missense variant. However, the output from this modeling did not meet the statistical confidence thresholds required to predict the impact of this variant on FLNC protein function. In summary, the available evidence is currently insufficient to determine the role of this variant in disease. Therefore, it has been classified as a Variant of Uncertain Significance.